The following is an entry in ClinVar:

ClinVar aggregate classification (germline): Uncertain significance (1 of 4 stars; one submission).

gnomAD v4.1: 1 of 1,613,462 alleles (0.000062%); no homozygotes.

Submission:

Labcorp Genetics (formerly Invitae), Labcorp
Classification: Uncertain significance. Last evaluated: 2025-02-10. Review status: criteria provided, single submitter. Criteria: Invitae Variant Classification Sherloc (09022015). Collection method: clinical testing. Allele origin: germline.
Comment: This sequence change replaces isoleucine, which is neutral and non-polar, with valine, which is neutral and non-polar, at codon 270 of the KSR2 protein (p.Ile270Val). This variant is present in population databases (no rsID available, gnomAD 0.03%). This variant has not been reported in the literature in individuals affected with KSR2-related conditions. An algorithm developed to predict the effect of missense changes on protein structure and function (PolyPhen-2) suggests that this variant is likely to be tolerated. In summary, the available evidence is currently insufficient to determine the role of this variant in disease. Therefore, it has been classified as a Variant of Uncertain Significance.

NM_173598.6(KSR2):c.895A>G (p.Ile299Val)

Gene: KSR2 (kinase suppressor of ras 2; minus strand). Cytogenetic location: 12q24.23.
Variant type: single nucleotide variant.
Coding change: c.895A>G on transcript NM_173598.6 (MANE Select); coding-DNA position 895, A replaced by G.
Protein change: p.Ile299Val; replaces isoleucine 299 with valine.
Molecular consequence: missense variant.
Genome position (GRCh38, 1-based): chr12:117,761,102, T>C on the plus strand (A>G on the coding strand, the complement: KSR2 is on the minus strand). VCF-style: chr12-117761102-T-C. GRCh37 (hg19) VCF-style: chr12-118198907-T-C.
Other names: short protein forms I299V.
Identifiers: ClinVar variation 4712715 (VCV004712715.1).
Genomic context (GRCh38, chr12:117,761,102, plus strand): 5'-CCAGCTGGAACTCGTGGGATTTGCTCCGATGCAGCGCGGTGAATCCCGGGATCAAGTGTA[T>C]CAGTTTTCGGGAGGAGGGCGGTGGGGTCCCCGGGGGCTTCAGCTTGTTCTTCTTCCTCAT-3'
Protein context (NP_775869.4, residues 289-309): GTPPPSSRKL[Ile299Val]HLIPGFTALH